The following is an entry in ClinVar:

ClinVar aggregate classification (germline): Uncertain significance. Review status: criteria provided, multiple submitters, no conflicts (2 of 4 stars). 4 submissions from 4 submitters: Uncertain significance (4). Last evaluated 2026-04-29.

Conditions:
MARVELD2-related disorder. Also called: MARVELD2-related condition.

Allele frequency attached by ClinVar (database versions not stated): ExAC 0.00005; gnomAD exomes 0.00005 and 0.00006; ESP Exome Variant Server 0.00008; gnomAD 0.00008 and 0.00009; TOPMed 0.00012; 1000 Genomes Project 0.00020; 1000 Genomes Project 30x 0.00031.
gnomAD v4.1: 86 of 1,614,160 alleles (0.0053%); highest among the groups gnomAD compares: Middle Eastern, 0.033%; no homozygotes.

Submissions (4):

GeneDx
Classification: Uncertain significance. Last evaluated: 2026-04-29. Review status: criteria provided, single submitter. Criteria: GeneDx Variant Classification Process June 2021. Collection method: clinical testing. Allele origin: germline.
Comment: In silico analysis suggests that this missense variant does not alter protein structure/function; Has not been previously published as pathogenic or benign to our knowledge

PreventionGenetics, part of Exact Sciences
Classification: Uncertain significance for MARVELD2-related condition. Last evaluated: 2026-01-30. Review status: criteria provided, single submitter. Criteria: ACMG Guidelines, 2015. Collection method: clinical testing. Allele origin: germline.
Comment: The MARVELD2 c.288C>A variant is predicted to result in the amino acid substitution p.Asp96Glu. To our knowledge, this variant has not been reported in the literature. This variant is reported in 0.024% of alleles in individuals of African descent in gnomAD. At this time, the clinical significance of this variant is uncertain due to the absence of conclusive functional and genetic evidence.

Blueprint Genetics
Classification: Uncertain significance. Last evaluated: 2024-07-23. Review status: criteria provided, single submitter. Criteria: ACMG Guidelines, 2015. Collection method: clinical testing. Allele origin: germline.

Laboratory for Molecular Medicine, Mass General Brigham Personalized Medicine
Classification: Uncertain significance. Last evaluated: 2014-10-07. Review status: criteria provided, single submitter. Criteria: LMM Criteria. Collection method: clinical testing. Allele origin: germline. Observed: 1 variant allele.
Comment: Variant classified as Uncertain Significance - Favor Benign. The p.Asp96Glu vari ant in MARVELD2 has not been previously reported in individuals with hearing los s, but has been identified in 1/4406 African American chromosomes by the NHLBI E xome Sequencing Project (dbSNP rs73113102). A lthough this variant has been seen in the general population, its frequency is n ot high enough to rule out a pathogenic role, particularly for a recessive disor der. Aspartic acid (Asp) at position 96 is not conserved in mammals or evolution ary distant species, and at least two mammals (greater Egyptian jerboa and rabbi t) carry a glutamic acid (Glu) at this position, raising the possibility that th is change may be tolerated. Additional computational prediction tools suggest th at the p.Asp96Glu variant may not impact the protein, though this information is not predictive enough to rule out pathogenicity. In summary, while the clinical significance of the p.Asp96Glu variant is uncertain, these data suggest that it is more likely to be benign.

NM_001038603.3(MARVELD2):c.288C>A (p.Asp96Glu)

Gene: MARVELD2 (MARVEL domain containing 2; plus strand). Cytogenetic location: 5q13.2.
Variant type: single nucleotide variant.
Coding change: c.288C>A on transcript NM_001038603.3 (MANE Select); coding-DNA position 288, C replaced by A.
Protein change: p.Asp96Glu; replaces aspartic acid 96 with glutamic acid.
Molecular consequence: missense variant.
Genome position (GRCh38, 1-based): chr5:69,419,673, C>A. VCF-style: chr5-69419673-C-A. GRCh37 (hg19) VCF-style: chr5-68715500-C-A.
Other names: c.288C>A, p.Asp96Glu (NM_001244734.2); short protein forms D96E.
Identifiers: ClinVar variation 163962 (VCV000163962.9), dbSNP rs73113102, ClinGen allele CA176712.